The following is an entry in ClinVar:

NM_001556.3(IKBKB):c.1264G>A (p.Ala422Thr)

Gene: IKBKB (inhibitor of nuclear factor kappa B kinase subunit beta; plus strand). Cytogenetic location: 8p11.21.
Variant type: single nucleotide variant.
Coding change: c.1264G>A on transcript NM_001556.3 (MANE Select); coding-DNA position 1264, G replaced by A.
Protein change: p.Ala422Thr; replaces alanine 422 with threonine.
Molecular consequence: missense variant. On other transcripts: non-coding transcript variant (3).
Genome position (GRCh38, 1-based): chr8:42,318,575, G>A. VCF-style: chr8-42318575-G-A. GRCh37 (hg19) VCF-style: chr8-42176093-G-A.
Other names: c.1072G>A, p.Ala358Thr (NM_001190720.3); c.1087G>A, p.Ala363Thr (NM_001242778.2); c.1264G>A (NM_001556.2); short protein forms A358T, A363T, A422T.
Identifiers: ClinVar variation 1988929 (VCV001988929.4), dbSNP rs781098452, ClinGen allele CA4731951.
Genomic context (GRCh38, chr8:42,318,575, plus strand): 5'-GTTATTCTTTGACAATTGCTTGTGTCTCTGTCTCCAGTTCAAGAGCCCAAGAGGAATCTC[G>A]CCTTCTTCCAGCTGAGGAAGGTGTGGGGCCAGGTCTGGCACAGCATCCAGACCCTGAAGG-3'
Protein context (NP_001547.1, residues 412-432): CILQEPKRNL[Ala422Thr]FFQLRKVWGQ

ClinVar aggregate classification (germline): Uncertain significance. Review status: criteria provided, multiple submitters, no conflicts (2 of 4 stars). 2 submissions from 2 submitters: Uncertain significance (2). Last evaluated 2025-09-24.

Conditions:
Inborn genetic diseases. Identifiers: MedGen C0950123, MeSH D030342.
Severe combined immunodeficiency due to IKK2 deficiency. Also called: IMMUNODEFICIENCY 15B; Immunodeficiency 15. Identifiers: Orphanet 397787, MedGen C4747743, MONDO:0014267, OMIM 615592.

Allele frequency attached by ClinVar (database versions not stated): ExAC 0.00001; gnomAD exomes 0.00002; gnomAD 0.00003; TOPMed 0.00005.
gnomAD v4.1: 37 of 1,613,744 alleles (0.0023%); highest among the groups gnomAD compares: South Asian, 0.014%; no homozygotes.

Submissions (2):

Ambry Genetics
Classification: Uncertain significance for Inborn genetic diseases. Last evaluated: 2025-09-24. Review status: criteria provided, single submitter. Criteria: Ambry Variant Classification Scheme 2023. Collection method: clinical testing. Allele origin: germline.

Labcorp Genetics (formerly Invitae), Labcorp
Classification: Uncertain significance for Severe combined immunodeficiency due to IKK2 deficiency. Last evaluated: 2025-03-10. Review status: criteria provided, single submitter. Criteria: Invitae Variant Classification Sherloc (09022015). Collection method: clinical testing. Allele origin: germline.
Comment: This sequence change replaces alanine, which is neutral and non-polar, with threonine, which is neutral and polar, at codon 422 of the IKBKB protein (p.Ala422Thr). This variant is present in population databases (rs781098452, gnomAD 0.01%). This variant has not been reported in the literature in individuals affected with IKBKB-related conditions. ClinVar contains an entry for this variant (Variation ID: 1988929). Invitae Evidence Modeling of protein sequence and biophysical properties (such as structural, functional, and spatial information, amino acid conservation, physicochemical variation, residue mobility, and thermodynamic stability) indicates that this missense variant is not expected to disrupt IKBKB protein function with a negative predictive value of 95%. In summary, the available evidence is currently insufficient to determine the role of this variant in disease. Therefore, it has been classified as a Variant of Uncertain Significance.